The following is an entry in ClinVar:

NM_000204.5(CFI):c.1497C>G (p.Tyr499Ter)

Gene: CFI (complement factor I; minus strand). Cytogenetic location: 4q25.
Variant type: single nucleotide variant.
Coding change: c.1497C>G on transcript NM_000204.5 (MANE Select); coding-DNA position 1497, C replaced by G.
Protein change: p.Tyr499Ter; replaces tyrosine 499 with a stop codon.
Molecular consequence: nonsense. On other transcripts: non-coding transcript variant (3).
Genome position (GRCh38, 1-based): chr4:109,742,528, G>C on the plus strand (C>G on the coding strand, the complement: CFI is on the minus strand). VCF-style: chr4-109742528-G-C. GRCh37 (hg19) VCF-style: chr4-110663684-G-C.
Other names: c.888C>G, p.Tyr296Ter (NM_001375284.1); c.1521C>G, p.Tyr507Ter (NM_001318057.2, NM_001375278.1); c.1476C>G, p.Tyr492Ter (NM_001331035.2, NM_001375280.1, NM_001375282.1); c.1497C>G, p.Tyr499Ter (NM_001375279.1, NM_001375281.1); c.1440C>G, p.Tyr480Ter (NM_001375283.1); short protein forms Y480*, Y492*, Y507*, Y296*, Y499*.
Identifiers: ClinVar variation 3655045 (VCV003655045.2).

ClinVar aggregate classification (germline): Uncertain significance (1 of 4 stars; one submission).

Submission:

Labcorp Genetics (formerly Invitae), Labcorp
Classification: Uncertain significance. Last evaluated: 2024-08-17. Review status: criteria provided, single submitter. Criteria: Invitae Variant Classification Sherloc (09022015). Collection method: clinical testing. Allele origin: germline.
Comment: This sequence change creates a premature translational stop signal (p.Tyr499*) in the CFI gene. While this is not anticipated to result in nonsense mediated decay, it is expected to disrupt the last 85 amino acid(s) of the CFI protein. This variant is not present in population databases (gnomAD no frequency). This variant has not been reported in the literature in individuals affected with CFI-related conditions. Algorithms developed to predict the effect of sequence changes on RNA splicing suggest that this variant may disrupt the consensus splice site. This variant disrupts a region of the CFI protein in which other variant(s) (p.Gly516Val) have been observed in individuals with CFI-related conditions (PMID: 33609329). This suggests that this is a clinically significant region of the protein, and that variants that disrupt it are likely to be disease-causing. In summary, the available evidence is currently insufficient to determine the role of this variant in disease. Therefore, it has been classified as a Variant of Uncertain Significance.

Literature cited by the submitters: PubMed 33609329.